The following is an entry in ClinVar:

NM_015057.5(MYCBP2):c.5489C>G (p.Ala1830Gly)

Gene: MYCBP2 (MYC binding protein 2; minus strand). Cytogenetic location: 13q22.3.
Variant type: single nucleotide variant.
Coding change: c.5489C>G on transcript NM_015057.5 (MANE Select); coding-DNA position 5489, C replaced by G.
Protein change: p.Ala1830Gly; replaces alanine 1830 with glycine.
Molecular consequence: missense variant.
Genome position (GRCh38, 1-based): chr13:77,174,473, G>C on the plus strand (C>G on the coding strand, the complement: MYCBP2 is on the minus strand). VCF-style: chr13-77174473-G-C. GRCh37 (hg19) VCF-style: chr13-77748608-G-C.
Other names: short protein forms A1830G.
Identifiers: ClinVar variation 4994915 (VCV004994915.1).

ClinVar aggregate classification (germline): Uncertain significance (1 of 4 stars; one submission).

Conditions:
MYCBP2-related disorder. Also called: MYCBP2-related condition.

Submission:

PreventionGenetics, part of Exact Sciences
Classification: Uncertain significance for MYCBP2-related condition. Last evaluated: 2025-11-12. Review status: criteria provided, single submitter. Criteria: ACMG Guidelines, 2015. Collection method: clinical testing. Allele origin: germline.
Comment: The MYCBP2 c.5489C>G variant is predicted to result in the amino acid substitution p.Ala1830Gly. To our knowledge, this variant has not been reported in the literature or in a large population database (gnomAD), indicating this variant is rare. At this time, the clinical significance of this variant is uncertain due to the absence of conclusive functional and genetic evidence.